The following is an entry in ClinVar:

ClinVar aggregate classification (germline): Uncertain significance. Review status: criteria provided, single submitter (1 of 4 stars). 2 submissions from 2 submitters: Uncertain significance (1). 1 of the submissions does not count toward it. Last evaluated 2025-08-28.

Conditions:
IRS1-related disorder. Also called: IRS1-related condition.

Allele frequency attached by ClinVar (database versions not stated): ExAC 0.00058; gnomAD 0.00165; TOPMed 0.00195; ESP Exome Variant Server 0.00231; 1000 Genomes Project 30x 0.00234; 1000 Genomes Project 0.00240.
gnomAD v4.1: 507 of 1,613,790 alleles (0.031%); highest among the groups gnomAD compares: African/African-American, 0.52%; 1 homozygote.

Submissions (2):

Ambry Genetics
Classification: Uncertain significance. Last evaluated: 2025-08-28. Review status: criteria provided, single submitter. Criteria: Ambry Variant Classification Scheme 2023. Collection method: clinical testing. Allele origin: germline.

PreventionGenetics, part of Exact Sciences
Classification: Benign for IRS1-related condition. Last evaluated: 2019-09-30. Review status: no assertion criteria provided. Collection method: clinical testing. Allele origin: germline. Not counted in ClinVar's aggregate classification.
Comment: This variant is classified as benign based on ACMG/AMP sequence variant interpretation guidelines (Richards et al. 2015 PMID: 25741868, with internal and published modifications).

NM_005544.3(IRS1):c.2084A>T (p.Tyr695Phe)

Gene: IRS1 (insulin receptor substrate 1; minus strand). Cytogenetic location: 2q36.3.
Variant type: single nucleotide variant.
Coding change: c.2084A>T on transcript NM_005544.3 (MANE Select); coding-DNA position 2084, A replaced by T.
Protein change: p.Tyr695Phe; replaces tyrosine 695 with phenylalanine.
Molecular consequence: missense variant.
Genome position (GRCh38, 1-based): chr2:226,796,655, T>A on the plus strand (A>T on the coding strand, the complement: IRS1 is on the minus strand). VCF-style: chr2-226796655-T-A. GRCh37 (hg19) VCF-style: chr2-227661371-T-A.
Other names: short protein forms Y695F.
Identifiers: ClinVar variation 3059613 (VCV003059613.3), dbSNP rs142818292, ClinGen allele CA2143180.